The following is an entry in ClinVar:

ClinVar aggregate classification (germline): Likely benign (1 of 4 stars; one submission).

Conditions:
Multiple endocrine neoplasia, type 2 (MEN2). Identifiers: Orphanet 653, MedGen C4048306, MONDO:0019003. Disease mechanism: gain of function.

Allele frequency attached by ClinVar (database versions not stated): gnomAD exomes below 0.00001; gnomAD 0.00001.

Submission:

All of Us Research Program, National Institutes of Health
Classification: Likely benign for Multiple endocrine neoplasia, type 2. Last evaluated: 2023-08-23. Review status: criteria provided, single submitter. Criteria: ACMG Guidelines, 2015. Collection method: clinical testing. Allele origin: germline. Inheritance: Autosomal dominant inheritance. Observed: 1 variant allele, 1 heterozygote.
Comment: This study involves interpretation of variants in research participants for the purpose of population health screening. Participant phenotype was not available at the time of variant classification. Additional details can be found in publication PMID: 35346344, PMCID: PMC8962531

NM_020975.6(RET):c.1064-10_1064-9insG

Gene: RET (ret proto-oncogene; plus strand). Cytogenetic location: 10q11.21.
Variant type: Insertion.
Coding change: c.1064-10_1064-9insG on transcript NM_020975.6 (MANE Select); 10 bases into the intron before coding-DNA position 1064 through 9 bases into the intron before coding-DNA position 1064, G inserted.
Molecular consequence: intron variant.
Genome position: GRCh38 VCF-style: chr10-43109021-C-CG. GRCh37 (hg19) VCF-style: chr10-43604469-C-CG.
Other names: c.1064-10_1064-9insG (NM_020630.7, NM_001406743.1, NM_001406744.1 and 4 more transcripts); c.868-2186_868-2185insG (NM_001406772.1, NM_001406769.1); c.626-10_626-9insG (NM_001406773.1, NM_001406771.1); c.626-3078_626-3077insG (NM_001406782.1, NM_001406780.1, NM_001406779.1 and 3 more transcripts); c.935-10_935-9insG (NM_001406764.1, NM_001406762.1, NM_001406761.1 and 1 more transcripts); c.739-2186_739-2185insG (NM_001406774.1); c.497-3078_497-3077insG (NM_001406786.1, NM_001406783.1); c.776-10_776-9insG (NM_001406770.1, NM_001406766.1, NM_001406767.1); and 5 more.
Identifiers: ClinVar variation 3073153 (VCV003073153.1), dbSNP rs1837849125, ClinGen allele CA927696359.